The following is an entry in ClinVar:

NM_001371928.1(AHDC1):c.698G>A (p.Ser233Asn)

Gene: AHDC1 (AT-hook DNA binding motif containing 1; minus strand). Cytogenetic location: 1p36.11.
Variant type: single nucleotide variant.
Coding change: c.698G>A on transcript NM_001371928.1 (MANE Select); coding-DNA position 698, G replaced by A.
Protein change: p.Ser233Asn; replaces serine 233 with asparagine.
Molecular consequence: missense variant.
Genome position (GRCh38, 1-based): chr1:27,551,418, C>T on the plus strand (G>A on the coding strand, the complement: AHDC1 is on the minus strand). VCF-style: chr1-27551418-C-T. GRCh37 (hg19) VCF-style: chr1-27877929-C-T.
Other names: c.698G>A (NM_001029882.2); c.698G>A, p.Ser233Asn (NM_001029882.3); short protein forms S233N.
Identifiers: ClinVar variation 3718371 (VCV003718371.3).

ClinVar aggregate classification (germline): Conflicting classifications of pathogenicity. Review status: criteria provided, conflicting classifications (1 of 4 stars). 2 submissions from 2 submitters: Uncertain significance (1); Likely benign (1). Last evaluated 2025-10-02.

Conditions:
Inborn genetic diseases. Identifiers: MedGen C0950123, MeSH D030342.

gnomAD v4.1: 11 of 1,613,434 alleles (0.00068%); highest among the groups gnomAD compares: African/African-American, 0.0093%; no homozygotes.

Submissions (2):

Ambry Genetics
Classification: Likely benign for Inborn genetic diseases. Last evaluated: 2025-10-02. Review status: criteria provided, single submitter. Criteria: Ambry Variant Classification Scheme 2023. Collection method: clinical testing. Allele origin: germline.

Labcorp Genetics (formerly Invitae), Labcorp
Classification: Uncertain significance. Last evaluated: 2024-09-21. Review status: criteria provided, single submitter. Criteria: Invitae Variant Classification Sherloc (09022015). Collection method: clinical testing. Allele origin: germline.
Comment: This sequence change replaces serine, which is neutral and polar, with asparagine, which is neutral and polar, at codon 233 of the AHDC1 protein (p.Ser233Asn). This variant is present in population databases (rs552889135, gnomAD 0.008%). This variant has not been reported in the literature in individuals affected with AHDC1-related conditions. An algorithm developed to predict the effect of missense changes on protein structure and function (PolyPhen-2) suggests that this variant is likely to be tolerated. In summary, the available evidence is currently insufficient to determine the role of this variant in disease. Therefore, it has been classified as a Variant of Uncertain Significance.